The following is an entry in ClinVar:

ClinVar aggregate classification (germline): Uncertain significance. Review status: criteria provided, multiple submitters, no conflicts (2 of 4 stars). 3 submissions from 3 submitters: Uncertain significance (3). Last evaluated 2026-02-18.

Conditions:
TTN-related disorder. Also called: TTN-related disorders; TTN-related condition; TTN-related disease.
Cardiovascular phenotype. Identifiers: MedGen CN230736.

Submissions (3):

PreventionGenetics, part of Exact Sciences
Classification: Uncertain significance for TTN-related condition. Last evaluated: 2026-02-18. Review status: criteria provided, single submitter. Criteria: ACMG Guidelines, 2015. Collection method: clinical testing. Allele origin: germline.
Comment: The TTN c.4284_4298dup15 variant is predicted to result in an in-frame duplication (p.Ala1435_Pro1439dup). To our knowledge, this variant has not been reported in the literature. This variant is reported in 0.0099% of alleles in individuals of Ashkenazi Jewish descent in gnomAD. At this time, the clinical significance of this variant is uncertain due to the absence of conclusive functional and genetic evidence.

Ambry Genetics
Classification: Uncertain significance for Cardiovascular phenotype. Last evaluated: 2025-05-08. Review status: criteria provided, single submitter. Criteria: Ambry Variant Classification Scheme 2023. Collection method: clinical testing. Allele origin: germline.
Comment: The c.4146_4160dup15 variant (also known as p.P1393_G1394insPARMS), located in coding exon 23 of the TTN gene, results from an in-frame duplication of 15 nucleotides at nucleotide positions 4146 to 4160. This results in the duplication of 5 extra residues (PARMS) between codons 1393 and 1394. This amino acid region is well conserved in available vertebrate species. In addition, the in silico prediction for this variant is inconclusive (Choi Y et al. PLoS ONE. 2012; 7(10):e46688). Based on the available evidence, the clinical significance of this variant remains unclear.

CeGaT Center for Human Genetics Tuebingen
Classification: Uncertain significance. Last evaluated: 2023-06-01. Review status: criteria provided, single submitter. Criteria: CeGaT Center For Human Genetics Tuebingen Variant Classification Criteria Version 2. Collection method: clinical testing. Allele origin: germline. Affected: yes. Observed: 1 variant allele.
Comment: TTN: PM2, BP4

NM_001267550.2(TTN):c.4284_4298dup (p.Pro1439_Gly1440insAlaArgMetSerPro)

Genes: TTN (titin; minus strand), LOC101927055 (uncharacterized LOC101927055; plus strand). Cytogenetic location: 2q31.2.
Variant type: Duplication.
Coding change: c.4284_4298dup on transcript NM_001267550.2 (MANE Select); coding-DNA positions 4284 to 4298, 15 bases duplicated (TCCTGCACGGATGTC).
Protein change: p.Pro1439_Gly1440insAlaArgMetSerPro.
Molecular consequence: inframe insertion. On other transcripts: non-coding transcript variant (1).
Genome position (GRCh38, 1-based): chr2:178,777,886-178,777,900, GACATCCGTGCAGGA duplicated on the plus strand (TCCTGCACGGATGTC on the coding strand, the reverse complement: TTN is on the minus strand); duplicating any 15 consecutive bases within chr2:178,777,886-178,777,907 gives the same sequence; the c. name uses the placement nearest the transcript's 3' end. VCF-style (leftmost placement, unchanged base first): chr2-178777885-G-GGACATCCGTGCAGGA. GRCh37 (hg19) VCF-style: chr2-179642612-G-GGACATCCGTGCAGGA.
Other names: c.4284_4298dup, p.Pro1439_Gly1440insAlaArgMetSerPro (NM_133378.4, NM_133379.5, NM_001256850.1); c.4146_4160dup, p.Pro1393_Gly1394insAlaArgMetSerPro (NM_133432.3, NM_133437.4, NM_003319.4); c.4284_4298dup15 (NM_001267550.2); c.4146_4160dupTCCTGCACGGATGTC (NM_003319.4).
Identifiers: ClinVar variation 2571110 (VCV002571110.28), dbSNP rs772131691, ClinGen allele CA2005341.
Genomic context (GRCh38, chr2:178,777,885, plus strand): 5'-TCTCTCAAGTTGTGACTCATCTGTCTCCTCCAGCCTACGTCCAGGGGACATTCTTGCAGG[G>GGACATCCGTGCAGGA]GACATCCGTGCAGGAGACATCCTTGCAGGTGACATCCGTGCAGGAGACATGCGTATAGGA-3'